The following is an entry in ClinVar:

ClinVar aggregate classification (germline): Likely benign (1 of 4 stars; one submission).

Allele frequency attached by ClinVar (database versions not stated): gnomAD 0.00306; ESP Exome Variant Server 0.00376; 1000 Genomes Project 30x 0.00390; 1000 Genomes Project 0.01138.
gnomAD v4.1: 1,842 of 1,528,110 alleles (0.12%); highest among the groups gnomAD compares: African/African-American, 0.77%; 114 homozygotes.

Submission:

CeGaT Center for Human Genetics Tuebingen
Classification: Likely benign. Last evaluated: 2023-02-01. Review status: criteria provided, single submitter. Criteria: CeGaT Center For Human Genetics Tuebingen Variant Classification Criteria Version 2. Collection method: clinical testing. Allele origin: germline. Affected: yes. Observed: 2 variant alleles.
Comment: DSPP: BP4, BP7, BS2

NM_014208.3(DSPP):c.3525T>C (p.Ser1175=)

Genes: DMP1-AS1 (DMP1 and DSPP antisense RNA 1; minus strand), DSPP (dentin sialophosphoprotein; plus strand). Cytogenetic location: 4q22.1.
Variant type: single nucleotide variant.
Coding change: c.3525T>C on transcript NM_014208.3 (MANE Select); coding-DNA position 3525, T replaced by C.
Protein change: p.Ser1175=; no amino-acid change (serine 1175 retained).
Molecular consequence: synonymous variant.
Genome position (GRCh38, 1-based): chr4:87,616,187, T>C. VCF-style: chr4-87616187-T-C. GRCh37 (hg19) VCF-style: chr4-88537339-T-C.
Identifiers: ClinVar variation 2654924 (VCV002654924.24), dbSNP rs375444673, ClinGen allele CA3001768.